The following is an entry in ClinVar:

NM_000349.3(STAR):c.361_362insTCTCCATG (p.Arg121fs)

Gene: STAR (steroidogenic acute regulatory protein; minus strand). Cytogenetic location: 8p11.23.
Variant type: Insertion.
Coding change: c.361_362insTCTCCATG on transcript NM_000349.3 (MANE Select); coding-DNA positions 361 to 362, TCTCCATG inserted.
Protein change: p.Arg121fs; shifts the reading frame from arginine 121.
Molecular consequence: frameshift variant.
Genome position: GRCh38 VCF-style: chr8-38146392-C-CCATGGAGA. GRCh37 (hg19) VCF-style: chr8-38003910-C-CCATGGAGA.
Other names: short protein forms R121fs.
Identifiers: ClinVar variation 5012474 (VCV005012474.1).

ClinVar aggregate classification (germline): Pathogenic (1 of 4 stars; one submission).

Conditions:
Congenital lipoid adrenal hyperplasia due to STAR deficency. Also called: ADRENAL HYPERPLASIA I; Cholesterol monooxygenase (side-chain cleaving) deficiency; Congenital Lipoid Adrenal Hyperplasia; Lipoid adrenal hyperplasia. Identifiers: Orphanet 418, Orphanet 90790, MedGen C0342474, MONDO:0008725, OMIM 201710.

Submission:

Myriad Genetics, Inc.
Classification: Pathogenic for Congenital lipoid adrenal hyperplasia due to STAR deficency. Last evaluated: 2023-11-11. Review status: criteria provided, single submitter. Criteria: Myriad Autosomal Dominant, Autosomal Recessive and X-Linked Classification Criteria (2023). Collection method: clinical testing. Allele origin: unknown.
Comment: NM_000349.2(STAR):c.361_362ins8(R121Lfs*68) is expected to be pathogenic in the context of lipoid congenital adrenal hyperplasia. This variant is predicted to lead to an abnormal or absent protein product due to the creation of a premature termination codon in STAR, a gene where loss-of-function variants are known to be pathogenic. Please note: this variant was assessed in the context of healthy population screening.